The following is an entry in ClinVar:

NM_152383.5(DIS3L2):c.2381_2382del (p.Arg794fs)

Gene: DIS3L2 (DIS3 like 3'-5' exoribonuclease 2; plus strand). Cytogenetic location: 2q37.1.
Variant type: Microsatellite.
Coding change: c.2381_2382del on transcript NM_152383.5 (MANE Select); coding-DNA positions 2381 to 2382, 2 bases deleted (GC; older notation c.2381_2382delGC).
Protein change: p.Arg794fs; shifts the reading frame from arginine 794.
Molecular consequence: frameshift variant. On other transcripts: non-coding transcript variant (2), intron variant (1).
Genome position (GRCh38, 1-based): chr2:232,334,722-232,334,723, GC deleted; deleting any 2 consecutive bases within chr2:232,334,720-232,334,723 gives the same sequence; the c. name uses the placement nearest the transcript's 3' end. VCF-style (leftmost placement, unchanged base first): chr2-232334719-AGC-A. GRCh37 (hg19) VCF-style: chr2-233199429-AGC-A.
Other names: c.1582-8623_1582-8622del (NM_001257281.2); short protein forms R794fs.
Identifiers: ClinVar variation 438774 (VCV000438774.2), dbSNP rs1553551874, ClinGen allele CA645509121.

ClinVar aggregate classification (germline): Likely pathogenic (0 of 4 stars; one submission).

Conditions:
Nephroblastoma. Also called: Wilms' tumor; Wilms tumor. Identifiers: Orphanet 654, MedGen C0027708, MeSH D009396, MONDO:0006058, HP:0002667.

Submission:

Donald Williams Parsons Laboratory, Baylor College of Medicine
Classification: Likely pathogenic for Nephroblastoma. Last evaluated: 2014-01-30. Review status: no assertion criteria provided. Collection method: research. Allele origin: paternal. Inheritance: Somatic mutation. Affected: yes. Observed: 1 variant allele, 1 heterozygote. Study: CSER-BASIC3.
Comment: This frameshift variant is categorized as deleterious according to ACMG guidelines (PMID:18414213).

Literature cited by the submitters: PubMed 26822237.